The following is an entry in ClinVar:

ClinVar aggregate classification (germline): Likely benign. Review status: criteria provided, multiple submitters, no conflicts (2 of 4 stars). 2 submissions from 2 submitters: Likely benign (2). Last evaluated 2024-03-19.

Allele frequency attached by ClinVar (database versions not stated): gnomAD exomes below 0.00001.
gnomAD v4.1: 6 of 1,613,830 alleles (0.00037%); highest among the groups gnomAD compares: South Asian, 0.0011%; no homozygotes.

Submissions (2):

Labcorp Genetics (formerly Invitae), Labcorp
Classification: Likely benign. Last evaluated: 2024-03-19. Review status: criteria provided, single submitter. Criteria: Invitae Variant Classification Sherloc (09022015). Collection method: clinical testing. Allele origin: germline.

GeneDx
Classification: Likely benign. Last evaluated: 2018-04-26. Review status: criteria provided, single submitter. Criteria: GeneDx Variant Classification (06012015). Collection method: clinical testing. Allele origin: germline. Affected: yes.
Comment: This variant is considered likely benign or benign based on one or more of the following criteria: it is a conservative change, it occurs at a poorly conserved position in the protein, it is predicted to be benign by multiple in silico algorithms, and/or has population frequency not consistent with disease.

NM_001844.5(COL2A1):c.1267-20C>T

Gene: COL2A1 (collagen type II alpha 1 chain; minus strand). Cytogenetic location: 12q13.11.
Variant type: single nucleotide variant.
Coding change: c.1267-20C>T on transcript NM_001844.5 (MANE Select); 20 bases into the intron before coding-DNA position 1267, C replaced by T.
Molecular consequence: intron variant.
Genome position (GRCh38, 1-based): chr12:47,987,196, G>A on the plus strand (C>T on the coding strand, the complement: COL2A1 is on the minus strand). VCF-style: chr12-47987196-G-A. GRCh37 (hg19) VCF-style: chr12-48380979-G-A.
Other names: c.1060-20C>T (NM_033150.3).
Identifiers: ClinVar variation 682264 (VCV000682264.5), dbSNP rs1592220294, ClinGen allele CA915948789.